The following is an entry in ClinVar:

ClinVar aggregate classification (germline): Uncertain significance (1 of 4 stars; one submission).

Submission:

Labcorp Genetics (formerly Invitae), Labcorp
Classification: Uncertain significance. Last evaluated: 2021-07-04. Review status: criteria provided, single submitter. Criteria: Invitae Variant Classification Sherloc (09022015). Collection method: clinical testing. Allele origin: germline.
Comment: This variant is not present in population databases (ExAC no frequency). This variant has not been reported in the literature in individuals affected with SLC22A4-related conditions. In summary, the available evidence is currently insufficient to determine the role of this variant in disease. Therefore, it has been classified as a Variant of Uncertain Significance. This sequence change creates a premature translational stop signal (p.Glu98Aspfs*32) in the SLC22A4 gene. It is expected to result in an absent or disrupted protein product. However, the current clinical and genetic evidence is not sufficient to establish whether loss-of-function variants in SLC22A4 cause disease.

NM_003059.3(SLC22A4):c.294del (p.Glu98fs)

Gene: SLC22A4 (solute carrier family 22 member 4; plus strand). Cytogenetic location: 5q31.1.
Variant type: Deletion.
Coding change: c.294del on transcript NM_003059.3 (MANE Select); coding-DNA position 294, one base deleted (G; older notation c.294delG).
Protein change: p.Glu98fs; shifts the reading frame from glutamic acid 98.
Molecular consequence: frameshift variant.
Genome position (GRCh38, 1-based): chr5:132,294,910, G deleted. VCF-style (leftmost placement, unchanged base first): chr5-132294909-AG-A. GRCh37 (hg19) VCF-style: chr5-131630602-AG-A.
Other names: short protein forms E98fs.
Identifiers: ClinVar variation 1478475 (VCV001478475.6), dbSNP rs2126694677, ClinGen allele CA2573138934.